The following is an entry in ClinVar:

ClinVar aggregate classification (germline): Likely benign. Review status: criteria provided, multiple submitters, no conflicts (2 of 4 stars). 2 submissions from 2 submitters: Likely benign (2). Last evaluated 2025-09-01.

Allele frequency attached by ClinVar (database versions not stated): ExAC 0.00001; gnomAD exomes 0.00001; gnomAD 0.00003 and 0.00004; TOPMed 0.00005.
gnomAD v4.1: 15 of 1,613,916 alleles (0.00093%); highest among the groups gnomAD compares: Admixed American, 0.005%; no homozygotes.

Submissions (2):

CeGaT Center for Human Genetics Tuebingen
Classification: Likely benign. Last evaluated: 2025-09-01. Review status: criteria provided, single submitter. Criteria: CeGaT Center For Human Genetics Tuebingen Variant Classification Criteria Version 2. Collection method: clinical testing. Allele origin: germline. Affected: yes. Observed: 1 variant allele.
Comment: RUSC2: BP4, BP7

Labcorp Genetics (formerly Invitae), Labcorp
Classification: Likely benign. Last evaluated: 2025-07-28. Review status: criteria provided, single submitter. Criteria: Invitae Variant Classification Sherloc (09022015). Collection method: clinical testing. Allele origin: germline.

NM_014806.5(RUSC2):c.4458C>T (p.Arg1486=)

Gene: RUSC2 (RUN and SH3 domain containing 2; plus strand). Cytogenetic location: 9p13.3.
Variant type: single nucleotide variant.
Coding change: c.4458C>T on transcript NM_014806.5 (MANE Select); coding-DNA position 4458, C replaced by T.
Protein change: p.Arg1486=; no amino-acid change (arginine 1486 retained).
Molecular consequence: synonymous variant. On other transcripts: non-coding transcript variant (1).
Genome position (GRCh38, 1-based): chr9:35,561,289, C>T. VCF-style: chr9-35561289-C-T. GRCh37 (hg19) VCF-style: chr9-35561286-C-T.
Other names: c.4458C>T, p.Arg1486= (NM_001135999.2); c.1824C>T, p.Arg608= (NM_001330740.2).
Identifiers: ClinVar variation 1582922 (VCV001582922.15), dbSNP rs756137499, ClinGen allele CA5044413.